The following is an entry in ClinVar:

NM_020937.4(FANCM):c.98A>G (p.Gln33Arg)

Genes: FANCM (FA complementation group M; plus strand), LOC130055524 (ATAC-STARR-seq lymphoblastoid active region 8299; plus strand). Cytogenetic location: 14q21.2.
Variant type: single nucleotide variant.
Coding change: c.98A>G on transcript NM_020937.4 (MANE Select); coding-DNA position 98, A replaced by G.
Protein change: p.Gln33Arg; replaces glutamine 33 with arginine.
Molecular consequence: missense variant.
Genome position (GRCh38, 1-based): chr14:45,136,129, A>G. VCF-style: chr14-45136129-A-G. GRCh37 (hg19) VCF-style: chr14-45605332-A-G.
Other names: c.98A>G, p.Gln33Arg (NM_001308133.2, NM_001308134.2); short protein forms Q33R.
Identifiers: ClinVar variation 659099 (VCV000659099.9), dbSNP rs759911498, ClinGen allele CA7168694.

ClinVar aggregate classification (germline): Uncertain significance (1 of 4 stars; one submission).

Conditions:
Fanconi anemia (FA). Also called: Fanconi's anemia. Identifiers: Orphanet 84, MedGen C0015625, MeSH D005199, MONDO:0019391.

Allele frequency attached by ClinVar (database versions not stated): gnomAD exomes below 0.00001 and 0.00001; ExAC 0.00002.
gnomAD v4.1: 2 of 1,614,170 alleles (0.00012%); highest among the groups gnomAD compares: Non-Finnish European, 0.00017%; no homozygotes.

Submission:

Labcorp Genetics (formerly Invitae), Labcorp
Classification: Uncertain significance for Fanconi anemia. Last evaluated: 2025-07-31. Review status: criteria provided, single submitter. Criteria: Invitae Variant Classification Sherloc (09022015). Collection method: clinical testing. Allele origin: germline.
Comment: This sequence change replaces glutamine, which is neutral and polar, with arginine, which is basic and polar, at codon 33 of the FANCM protein (p.Gln33Arg). This variant is present in population databases (rs759911498, gnomAD 0.002%). This variant has not been reported in the literature in individuals affected with FANCM-related conditions. ClinVar contains an entry for this variant (Variation ID: 659099). An algorithm developed to predict the effect of missense changes on protein structure and function outputs the following: PolyPhen-2: "Benign". The arginine amino acid residue is found in multiple mammalian species, which suggests that this missense change does not adversely affect protein function. In summary, the available evidence is currently insufficient to determine the role of this variant in disease. Therefore, it has been classified as a Variant of Uncertain Significance.